The following is an entry in ClinVar:

NM_004667.6(HERC2):c.2928G>A (p.Ala976=)

Gene: HERC2 (HECT and RLD domain containing E3 ubiquitin protein ligase 2; minus strand). Cytogenetic location: 15q13.1.
Variant type: single nucleotide variant.
Coding change: c.2928G>A on transcript NM_004667.6 (MANE Select); coding-DNA position 2928, G replaced by A.
Protein change: p.Ala976=; no amino-acid change (alanine 976 retained).
Molecular consequence: synonymous variant.
Genome position (GRCh38, 1-based): chr15:28,254,462, C>T on the plus strand (G>A on the coding strand, the complement: HERC2 is on the minus strand). VCF-style: chr15-28254462-C-T. GRCh37 (hg19) VCF-style: chr15-28499608-C-T.
Identifiers: ClinVar variation 4872272 (VCV004872272.2).

ClinVar aggregate classification (germline): Likely benign (1 of 4 stars; one submission).

gnomAD v4.1: 694 of 1,604,536 alleles (0.043%); highest among the groups gnomAD compares: Admixed American, 0.26%; 1 homozygote.

Submission:

CeGaT Center for Human Genetics Tuebingen
Classification: Likely benign. Last evaluated: 2026-06-01. Review status: criteria provided, single submitter. Criteria: CeGaT Center For Human Genetics Tuebingen Variant Classification Criteria Version 2. Collection method: clinical testing. Allele origin: germline. Affected: yes. Observed: 1 variant allele.
Comment: HERC2: BP4, BP7